The following is an entry in ClinVar:

ClinVar aggregate classification (germline): Uncertain significance (1 of 4 stars; one submission).

Allele frequency attached by ClinVar (database versions not stated): TOPMed below 0.00001; gnomAD exomes 0.00001; ExAC 0.00002.
gnomAD v4.1: 14 of 1,613,824 alleles (0.00087%); highest among the groups gnomAD compares: Admixed American, 0.0067%; no homozygotes.

Submission:

GeneDx
Classification: Uncertain significance. Last evaluated: 2022-11-08. Review status: criteria provided, single submitter. Criteria: GeneDx Variant Classification Process June 2021. Collection method: clinical testing. Allele origin: germline. Affected: yes.
Comment: In silico analysis supports that this missense variant does not alter protein structure/function; Has not been previously published as pathogenic or benign to our knowledge

NM_002906.4(RDX):c.1522C>T (p.His508Tyr)

Gene: RDX (radixin; minus strand). Cytogenetic location: 11q22.3.
Variant type: single nucleotide variant.
Coding change: c.1522C>T on transcript NM_002906.4 (MANE Select); coding-DNA position 1522, C replaced by T.
Protein change: p.His508Tyr; replaces histidine 508 with tyrosine.
Molecular consequence: missense variant. On other transcripts: intron variant (1).
Genome position (GRCh38, 1-based): chr11:110,233,302, G>A on the plus strand (C>T on the coding strand, the complement: RDX is on the minus strand). VCF-style: chr11-110233302-G-A. GRCh37 (hg19) VCF-style: chr11-110104027-G-A.
Other names: c.1522C>T, p.His508Tyr (NM_001260492.2, NM_001260493.2); c.1114C>T, p.His372Tyr (NM_001260494.2); c.481C>T, p.His161Tyr (NM_001260495.2); c.405-1298C>T (NM_001260496.2); short protein forms H161Y, H372Y, H508Y.
Identifiers: ClinVar variation 2501372 (VCV002501372.1), dbSNP rs751403876, ClinGen allele CA6269957.
Genomic context (GRCh38, chr11:110,233,302, plus strand): 5'-GTTGCTTCTTAACACGCTCATTTTTCTGTGTTTCGGTTACACGTTCTTCCTCGCTTCTAT[G>A]GTTCATTACCCCTTCATTTGATAATTCAGCACTAGCTTCAGCATTATTCTCATCGTGTTC-3'
Protein context (NP_002897.1, residues 498-518): AELSNEGVMN[His508Tyr]RSEEERVTET